The following is an entry in ClinVar:

ClinVar aggregate classification (germline): Benign. Review status: criteria provided, multiple submitters, no conflicts (2 of 4 stars). 4 submissions from 4 submitters: Benign (4). Last evaluated 2026-02-04.

Conditions:
Dermatofibrosis lenticularis disseminata (BOS). Also called: DERMATOFIBROSIS LENTICULARIS DISSEMINATA WITH OSTEOPOIKILOSIS; DERMATOOSTEOPOIKILOSIS; OSTEOPATHIA CONDENSANS DISSEMINATA. Identifiers: Orphanet 1306, MedGen C0265514, MONDO:0008157, OMIM 166700.

Allele frequency attached by ClinVar (database versions not stated): TOPMed 0.03332; 1000 Genomes Project 0.03375; ESP Exome Variant Server 0.03414; 1000 Genomes Project 30x 0.03607.
gnomAD v4.1: 8,869 of 1,577,376 alleles (0.56%); highest among the groups gnomAD compares: African/African-American, 11%; 472 homozygotes.

Submissions (4):

Labcorp Genetics (formerly Invitae), Labcorp
Classification: Benign. Last evaluated: 2026-02-04. Review status: criteria provided, single submitter. Criteria: Invitae Variant Classification Sherloc (09022015). Collection method: clinical testing. Allele origin: germline.

GeneDx
Classification: Benign. Last evaluated: 2021-06-09. Review status: criteria provided, single submitter. Criteria: GeneDx Variant Classification Process June 2021. Collection method: clinical testing. Allele origin: germline. Affected: yes.

Illumina Laboratory Services, Illumina
Classification: Benign for Dermatofibrosis lenticularis disseminata. Last evaluated: 2018-01-13. Review status: criteria provided, single submitter. Criteria: ICSL Variant Classification Criteria 13 December 2019. Collection method: clinical testing. Allele origin: germline.
Comment: This variant was observed in the ICSL laboratory as part of a predisposition screen in an ostensibly healthy population. It had not been previously curated by ICSL or reported in the Human Gene Mutation Database (HGMD: prior to June 1st, 2018), and was therefore a candidate for classification through an automated scoring system. Utilizing variant allele frequency, disease prevalence and penetrance estimates, and inheritance mode, an automated score was calculated to assess if this variant is too frequent to cause the disease. Based on the score and internal cut-off values, a variant classified as benign is not then subjected to further curation. The score for this variant resulted in a classification of benign for this disease.

Breakthrough Genomics
Classification: Benign. Review status: criteria provided, single submitter. Criteria: ACMG Guidelines, 2015. Collection method: not provided. Allele origin: germline. Inheritance: Autosomal dominant inheritance. Affected: yes.

NM_014319.5(LEMD3):c.1628-11A>C

Gene: LEMD3 (LEM domain containing 3; plus strand). Cytogenetic location: 12q14.3.
Variant type: single nucleotide variant.
Coding change: c.1628-11A>C on transcript NM_014319.5 (MANE Select); 11 bases into the intron before coding-DNA position 1628, A replaced by C.
Molecular consequence: intron variant.
Genome position (GRCh38, 1-based): chr12:65,218,541, A>C. VCF-style: chr12-65218541-A-C. GRCh37 (hg19) VCF-style: chr12-65612321-A-C.
Other names: c.1625-11A>C (NM_001167614.2).
Identifiers: ClinVar variation 310236 (VCV000310236.14), dbSNP rs6581620, ClinGen allele CA6670982.
Genomic context (GRCh38, chr12:65,218,541, plus strand): 5'-ATTAATTATGTTTGTTTTCTTCTGTTTAAGAGAGTACTGATTCAAAATTAATAATATGCT[A>C]ATCTTTCCAGGAGATCATGAATGTGGCAGTTCTAGTCAAAGAACGCTTTCTGTTCAAGAG-3'